The following is an entry in ClinVar:

NM_000135.4(FANCA):c.4313G>A (p.Ser1438Asn)

Genes: FANCA (FA complementation group A; minus strand), ZNF276 (zinc finger protein 276; plus strand). Cytogenetic location: 16q24.3.
Variant type: single nucleotide variant.
Coding change: c.4313G>A on transcript NM_000135.4 (MANE Select); coding-DNA position 4313, G replaced by A.
Protein change: p.Ser1438Asn; replaces serine 1438 with asparagine.
Molecular consequence: missense variant. On other transcripts: 3 prime UTR variant (3), non-coding transcript variant (4).
Genome position (GRCh38, 1-based): chr16:89,738,656, C>T on the plus strand (G>A on the coding strand, the complement: FANCA is on the minus strand). VCF-style: chr16-89738656-C-T. GRCh37 (hg19) VCF-style: chr16-89805064-C-T.
Other names: c.*42G>A (NM_001286167.3); c.*410C>T (NM_001113525.2, NM_152287.4); short protein forms S1438N.
Identifiers: ClinVar variation 2162489 (VCV002162489.1), dbSNP rs2151709791, ClinGen allele CA397483060.

ClinVar aggregate classification (germline): Uncertain significance (1 of 4 stars; one submission).

Conditions:
Fanconi anemia (FA). Also called: Fanconi's anemia. Identifiers: Orphanet 84, MedGen C0015625, MeSH D005199, MONDO:0019391.

Allele frequency attached by ClinVar (database versions not stated): gnomAD exomes 0.00001.
gnomAD v4.1: 9 of 1,613,566 alleles (0.00056%); highest among the groups gnomAD compares: Non-Finnish European, 0.00068%; no homozygotes.

Submission:

Labcorp Genetics (formerly Invitae), Labcorp
Classification: Uncertain significance for Fanconi anemia. Last evaluated: 2021-08-26. Review status: criteria provided, single submitter. Criteria: Invitae Variant Classification Sherloc (09022015). Collection method: clinical testing. Allele origin: germline.
Comment: This sequence change replaces serine with asparagine at codon 1438 of the FANCA protein (p.Ser1438Asn). The serine residue is moderately conserved and there is a small physicochemical difference between serine and asparagine. This variant is not present in population databases (ExAC no frequency). This variant has not been reported in the literature in individuals affected with FANCA-related conditions. Algorithms developed to predict the effect of missense changes on protein structure and function (SIFT, PolyPhen-2, Align-GVGD) all suggest that this variant is likely to be tolerated. In summary, the available evidence is currently insufficient to determine the role of this variant in disease. Therefore, it has been classified as a Variant of Uncertain Significance.